The following is an entry in ClinVar:

ClinVar aggregate classification (germline): Pathogenic (1 of 4 stars; one submission).

Conditions:
Nemaline myopathy 2 (NEM2). Also called: Nemaline myopathy 2, autosomal recessive. Identifiers: MedGen C1850569, MONDO:0009725, OMIM 256030.

Submission:

Labcorp Genetics (formerly Invitae), Labcorp
Classification: Pathogenic for Nemaline myopathy 2. Last evaluated: 2024-01-13. Review status: criteria provided, single submitter. Criteria: Invitae Variant Classification Sherloc (09022015). Collection method: clinical testing. Allele origin: germline.
Comment: This variant occurs in a region of NEB (Exons 82-105) consisting of three highly homologous 8-exon repeat units (exons 82-89, exons 90-97, exons 98-105). Sequence variants in this region can be detected, but this assay cannot determine which of the three repeat units is affected, and zygosity is often ambiguous. All variants in this region are reported relative to the exon 82-89 repeat. This sequence change creates a premature translational stop signal (p.Tyr4148*) in the NEB gene. It is expected to result in an absent or disrupted protein product. Loss-of-function variants in NEB are known to be pathogenic (PMID: 25205138). The frequency data for this variant in the population databases (gnomAD) is considered unreliable due to the presence of homologous sequence, such as pseudogenes or paralogs, in the genome. This variant has not been reported in the literature in individuals affected with NEB-related conditions. For these reasons, this variant has been classified as Pathogenic.

Literature cited by the submitters: PubMed 25205138.

NM_001164508.2(NEB):c.12441_12442del (p.Leu4147_Tyr4148insTer)

Gene: NEB (nebulin; minus strand). Cytogenetic location: 2q23.3.
Variant type: Microsatellite.
Coding change: c.12441_12442del on transcript NM_001164508.2 (MANE Select); coding-DNA positions 12441 to 12442, 2 bases deleted (CT; older notation c.12441_12442delCT).
Protein change: p.Leu4147_Tyr4148insTer.
Molecular consequence: frameshift variant. On other transcripts: intron variant (1).
Genome position (GRCh38, 1-based): chr2:151,608,565-151,608,566, AG deleted on the plus strand (CT on the coding strand, the reverse complement: NEB is on the minus strand); deleting any 2 consecutive bases within chr2:151,608,565-151,608,568 gives the same sequence; the c. name uses the placement nearest the transcript's 3' end. VCF-style (leftmost placement, unchanged base first): chr2-151608564-TAG-T. GRCh37 (hg19) VCF-style: chr2-152465078-TAG-T.
Other names: c.12441_12442del, p.Leu4147_Tyr4148insTer (NM_001164507.2, NM_001271208.2); c.11601+1243_11601+1244del (NM_004543.5).
Identifiers: ClinVar variation 1076283 (VCV001076283.9), dbSNP rs2153960091, ClinGen allele CA2580614361.